The following is an entry in ClinVar:

ClinVar aggregate classification (germline): Uncertain significance (1 of 4 stars; one submission).

gnomAD v4.1: 1 of 1,613,934 alleles (0.000062%); highest among the groups gnomAD compares: Non-Finnish European, 0.000085%; no homozygotes.

Submission:

Labcorp Genetics (formerly Invitae), Labcorp
Classification: Uncertain significance. Last evaluated: 2022-09-07. Review status: criteria provided, single submitter. Criteria: Invitae Variant Classification Sherloc (09022015). Collection method: clinical testing. Allele origin: germline.
Comment: This variant is not present in population databases (gnomAD no frequency). In summary, the available evidence is currently insufficient to determine the role of this variant in disease. Therefore, it has been classified as a Variant of Uncertain Significance. Algorithms developed to predict the effect of missense changes on protein structure and function are either unavailable or do not agree on the potential impact of this missense change (SIFT: "Not Available"; PolyPhen-2: "Possibly Damaging"; Align-GVGD: "Not Available"). This variant has not been reported in the literature in individuals affected with SAMD9L-related conditions. This sequence change replaces glutamic acid, which is acidic and polar, with glutamine, which is neutral and polar, at codon 507 of the SAMD9L protein (p.Glu507Gln).

NM_152703.5(SAMD9L):c.1519G>C (p.Glu507Gln)

Gene: SAMD9L (sterile alpha motif domain containing 9 like; minus strand). Cytogenetic location: 7q21.2.
Variant type: single nucleotide variant.
Coding change: c.1519G>C on transcript NM_152703.5 (MANE Select); coding-DNA position 1519, G replaced by C.
Protein change: p.Glu507Gln; replaces glutamic acid 507 with glutamine.
Molecular consequence: missense variant.
Genome position (GRCh38, 1-based): chr7:93,134,453, C>G on the plus strand (G>C on the coding strand, the complement: SAMD9L is on the minus strand). VCF-style: chr7-93134453-C-G. GRCh37 (hg19) VCF-style: chr7-92763766-C-G.
Other names: c.1519G>C, p.Glu507Gln (NM_001303496.3, NM_001303497.3, NM_001303498.3 and 5 more transcripts); short protein forms E507Q.
Identifiers: ClinVar variation 1935897 (VCV001935897.3), dbSNP rs757728711, ClinGen allele CA368196020.